The following is an entry in ClinVar:

ClinVar aggregate classification (germline): Uncertain significance. Review status: criteria provided, single submitter (1 of 4 stars). 2 submissions from 2 submitters: Uncertain significance (1). 1 of the submissions does not count toward it. Last evaluated 2022-07-18.

Conditions:
PCLO-related disorder. Also called: PCLO-related condition.

Allele frequency attached by ClinVar (database versions not stated): gnomAD exomes 0.00006; ExAC 0.00010; gnomAD 0.00018 and 0.00019; TOPMed 0.00019; ESP Exome Variant Server 0.00034.
gnomAD v4.1: 52 of 1,613,798 alleles (0.0032%); highest among the groups gnomAD compares: African/African-American, 0.061%; no homozygotes.

Submissions (2):

Labcorp Genetics (formerly Invitae), Labcorp
Classification: Uncertain significance. Last evaluated: 2022-07-18. Review status: criteria provided, single submitter. Criteria: Invitae Variant Classification Sherloc (09022015). Collection method: clinical testing. Allele origin: germline.
Comment: This sequence change replaces proline, which is neutral and non-polar, with histidine, which is basic and polar, at codon 2618 of the PCLO protein (p.Pro2618His). This variant is present in population databases (rs377241009, gnomAD 0.07%). This variant has not been reported in the literature in individuals affected with PCLO-related conditions. ClinVar contains an entry for this variant (Variation ID: 1424054). Algorithms developed to predict the effect of missense changes on protein structure and function are either unavailable or do not agree on the potential impact of this missense change (SIFT: "Tolerated"; PolyPhen-2: "Not Available"; Align-GVGD: "Class C0"). In summary, the available evidence is currently insufficient to determine the role of this variant in disease. Therefore, it has been classified as a Variant of Uncertain Significance.

PreventionGenetics, part of Exact Sciences
Classification: Uncertain significance for PCLO-related condition. Last evaluated: 2024-02-15. Review status: no assertion criteria provided. Collection method: clinical testing. Allele origin: germline. Not counted in ClinVar's aggregate classification.
Comment: The PCLO c.7853C>A variant is predicted to result in the amino acid substitution p.Pro2618His. To our knowledge, this variant has not been reported in the literature. This variant is reported in 0.070% of alleles in individuals of African descent in gnomAD. At this time, the clinical significance of this variant is uncertain due to the absence of conclusive functional and genetic evidence.

NM_033026.6(PCLO):c.7853C>A (p.Pro2618His)

Gene: PCLO (piccolo presynaptic cytomatrix protein; minus strand). Cytogenetic location: 7q21.11.
Variant type: single nucleotide variant.
Coding change: c.7853C>A on transcript NM_033026.6 (MANE Select); coding-DNA position 7853, C replaced by A.
Protein change: p.Pro2618His; replaces proline 2618 with histidine.
Molecular consequence: missense variant.
Genome position (GRCh38, 1-based): chr7:82,953,100, G>T on the plus strand (C>A on the coding strand, the complement: PCLO is on the minus strand). VCF-style: chr7-82953100-G-T. GRCh37 (hg19) VCF-style: chr7-82582416-G-T.
Other names: c.7853C>A, p.Pro2618His (NM_014510.3); c.7853C>A (NM_033026.5); short protein forms P2618H.
Identifiers: ClinVar variation 1424054 (VCV001424054.5), dbSNP rs377241009, ClinGen allele CA4320237.
Genomic context (GRCh38, chr7:82,953,100, plus strand): 5'-GTCTGTTCTGAAGAAATTGGAATTTCTACAGCTGTCACAGGAGGAACTACAGAAAACACA[G>T]GTTCAACAGAAACCAGATCTTTGGAGGGTGATCCCAAGGGCCAACTGGTAATTGCTTGAC-3'
Protein context (NP_149015.2, residues 2608-2628): SPSKDLVSVE[Pro2618His]VFSVVPPVTA